The following is an entry in ClinVar:

NM_030653.4(DDX11):c.638+1040C>T

Gene: DDX11 (DEAD/H-box helicase 11; plus strand). Cytogenetic location: 12p11.21.
Variant type: single nucleotide variant.
Coding change: c.638+1040C>T on transcript NM_030653.4 (MANE Select); 1040 bases into the intron after coding-DNA position 638, C replaced by T.
Molecular consequence: intron variant. On other transcripts: 5 prime UTR variant (2).
Genome position (GRCh38, 1-based): chr12:31,086,166, C>T. VCF-style: chr12-31086166-C-T. GRCh37 (hg19) VCF-style: chr12-31239100-C-T.
Other names: c.-270C>T (NM_001413704.1, NM_001413705.1); c.638+1040C>T (NM_001413693.1, NM_152438.2, NM_004399.3 and 5 more transcripts); c.-241+1040C>T (NM_001413706.1); c.551+1040C>T (NM_001413700.1); c.110+1040C>T (NM_001413702.1, NM_001413703.1); c.560+1040C>T (NM_001413697.1, NM_001413699.1, NM_001257145.2 and 1 more transcripts).
Identifiers: ClinVar variation 2498552 (VCV002498552.28), dbSNP rs530485403, ClinGen allele CA6500836.

ClinVar aggregate classification (germline): Likely benign (1 of 4 stars; one submission).

Allele frequency attached by ClinVar (database versions not stated): 1000 Genomes Project 0.00060; 1000 Genomes Project 30x 0.00156; ExAC 0.00321; TOPMed 0.00656; gnomAD 0.00683; gnomAD exomes 0.00759.
gnomAD v4.1: 3,330 of 453,306 alleles (0.73%); highest among the groups gnomAD compares: Non-Finnish European, 1.1%; 24 homozygotes.

Submission:

CeGaT Center for Human Genetics Tuebingen
Classification: Likely benign. Last evaluated: 2023-05-01. Review status: criteria provided, single submitter. Criteria: CeGaT Center For Human Genetics Tuebingen Variant Classification Criteria Version 2. Collection method: clinical testing. Allele origin: germline. Affected: yes. Observed: 9 variant alleles.
Comment: DDX11: BS2